The following is an entry in ClinVar:

NM_001033044.4(GLUL):c.*465A>G

Gene: GLUL (glutamate-ammonia ligase; minus strand). Cytogenetic location: 1q25.3.
Variant type: single nucleotide variant.
Coding change: c.*465A>G on transcript NM_001033044.4 (MANE Select); 465 bases downstream of the stop codon, A replaced by G.
Molecular consequence: 3 prime UTR variant.
Genome position (GRCh38, 1-based): chr1:182,383,940, T>C on the plus strand (A>G on the coding strand, the complement: GLUL is on the minus strand). VCF-style: chr1-182383940-T-C. GRCh37 (hg19) VCF-style: chr1-182353075-T-C.
Other names: c.*465A>G (NM_001033056.4, NM_002065.7).
Identifiers: ClinVar variation 293932 (VCV000293932.6), dbSNP rs16828882, ClinGen allele CA10608909.

ClinVar aggregate classification (germline): Likely benign. Review status: criteria provided, multiple submitters, no conflicts (2 of 4 stars). 2 submissions from 2 submitters: Likely benign (2). Last evaluated 2017-04-27.

Conditions:
Congenital brain dysgenesis due to glutamine synthetase deficiency (GLND). Also called: GLUTAMINE SYNTHASE DEFICIENCY, CONGENITAL SYSTEMIC. Identifiers: Orphanet 71278, MedGen C1864910, MONDO:0012393, OMIM 610015.

Allele frequency attached by ClinVar (database versions not stated): gnomAD exomes 0.00309; gnomAD 0.03023 and 0.03228; 1000 Genomes Project 30x 0.03560; 1000 Genomes Project 0.03335; TOPMed 0.03420.

Submissions (2):

Illumina Laboratory Services, Illumina
Classification: Likely benign for Congenital brain dysgenesis due to glutamine synthetase deficiency. Last evaluated: 2017-04-27. Review status: criteria provided, single submitter. Criteria: ICSL Variant Classification Criteria 13 December 2019. Collection method: clinical testing. Allele origin: germline.
Comment: This variant was observed as part of a predisposition screen in an ostensibly healthy population. A literature search was performed for the gene, cDNA change, and amino acid change (where applicable). No publications were found based on this search. Allele frequency data from public databases allowed determination this variant is unlikely to cause disease. Therefore, this variant is classified as likely benign.

Breakthrough Genomics
Classification: Likely benign. Review status: criteria provided, single submitter. Criteria: ACMG Guidelines, 2015. Collection method: not provided. Allele origin: germline. Inheritance: Autosomal recessive inheritance. Affected: yes.